The following is an entry in ClinVar:

ClinVar aggregate classification (germline): Uncertain significance (1 of 4 stars; one submission).

Conditions:
RAI1-related disorder. Also called: RAI1-related condition.

Submission:

PreventionGenetics, part of Exact Sciences
Classification: Uncertain significance for RAI1-related condition. Last evaluated: 2025-10-23. Review status: criteria provided, single submitter. Criteria: ACMG Guidelines, 2015. Collection method: clinical testing. Allele origin: germline.
Comment: The RAI1 c.2477T>C variant is predicted to result in the amino acid substitution p.Leu826Pro. This variant has been reported in a cohort of individuals undergoing testing for rare disorders of obesity. (Roberts et al. 2022. PubMed ID: 35562395). This variant has not been reported in a large population database (gnomAD), indicating this variant is rare. At this time, the clinical significance of this variant is uncertain due to the absence of conclusive functional and genetic evidence.

NM_030665.4(RAI1):c.2477T>C (p.Leu826Pro)

Gene: RAI1 (retinoic acid induced 1; plus strand). Cytogenetic location: 17p11.2.
Variant type: single nucleotide variant.
Coding change: c.2477T>C on transcript NM_030665.4 (MANE Select); coding-DNA position 2477, T replaced by C.
Protein change: p.Leu826Pro; replaces leucine 826 with proline.
Molecular consequence: missense variant.
Genome position (GRCh38, 1-based): chr17:17,795,425, T>C. VCF-style: chr17-17795425-T-C. GRCh37 (hg19) VCF-style: chr17-17698739-T-C.
Other names: short protein forms L826P.
Identifiers: ClinVar variation 4978967 (VCV004978967.1).
Genomic context (GRCh38, chr17:17,795,425, plus strand): 5'-TGCCCGGGGACTTCAAGCAGGAGGAGGTGGGTGGGGTGAAGGAGGAGGCAGGTGGGCTGC[T>C]GCAGTGCCCCGAGGTGGCCAAGGCTGACCGGTGGCTGGAGGACAGCCGGCACTGCTGTTC-3'
Protein context (NP_109590.3, residues 816-836): GGVKEEAGGL[Leu826Pro]QCPEVAKADR